The following is an entry in ClinVar:

ClinVar aggregate classification (germline): Uncertain significance (1 of 4 stars; one submission).

Conditions:
Retinitis pigmentosa 59 (RP59). Identifiers: Orphanet 791, MedGen C3151227, MONDO:0013468, OMIM 613861.

Allele frequency attached by ClinVar (database versions not stated): gnomAD 0.00001; TOPMed 0.00001; ExAC 0.00002.
gnomAD v4.1: 5 of 1,611,914 alleles (0.00031%); highest among the groups gnomAD compares: African/African-American, 0.004%; no homozygotes.

Submission:

Labcorp Genetics (formerly Invitae), Labcorp
Classification: Uncertain significance for Retinitis pigmentosa 59. Last evaluated: 2022-07-19. Review status: criteria provided, single submitter. Criteria: Invitae Variant Classification Sherloc (09022015). Collection method: clinical testing. Allele origin: germline.
Comment: This sequence change replaces threonine, which is neutral and polar, with asparagine, which is neutral and polar, at codon 331 of the DHDDS protein (p.Thr331Asn). This variant is present in population databases (rs769003252, gnomAD 0.007%). This variant has not been reported in the literature in individuals affected with DHDDS-related conditions. Algorithms developed to predict the effect of missense changes on protein structure and function are either unavailable or do not agree on the potential impact of this missense change (SIFT: "Deleterious"; PolyPhen-2: "Benign"; Align-GVGD: "Class C0"). In summary, the available evidence is currently insufficient to determine the role of this variant in disease. Therefore, it has been classified as a Variant of Uncertain Significance.

NM_205861.3(DHDDS):c.989C>A (p.Thr330Asn)

Gene: DHDDS (dehydrodolichyl diphosphate synthase subunit; plus strand). Cytogenetic location: 1p36.11.
Variant type: single nucleotide variant.
Coding change: c.989C>A on transcript NM_205861.3 (MANE Select); coding-DNA position 989, C replaced by A.
Protein change: p.Thr330Asn; replaces threonine 330 with asparagine.
Molecular consequence: missense variant.
Genome position (GRCh38, 1-based): chr1:26,469,118, C>A. VCF-style: chr1-26469118-C-A. GRCh37 (hg19) VCF-style: chr1-26795609-C-A.
Other names: c.887C>A, p.Thr296Asn (NM_001243564.2); c.872C>A, p.Thr291Asn (NM_001243565.2); c.710C>A, p.Thr237Asn (NM_001319959.2); c.992C>A, p.Thr331Asn (NM_024887.4); short protein forms T291N, T330N, T331N, T237N, T296N.
Identifiers: ClinVar variation 2195700 (VCV002195700.1), dbSNP rs769003252, ClinGen allele CA705509.